The following is an entry in ClinVar:

ClinVar aggregate classification (germline): Uncertain significance. Review status: criteria provided, multiple submitters, no conflicts (2 of 4 stars). 2 submissions from 2 submitters: Uncertain significance (2). Last evaluated 2024-09-27.

Conditions:
Inborn genetic diseases. Identifiers: MedGen C0950123, MeSH D030342.

Allele frequency attached by ClinVar (database versions not stated): gnomAD exomes 0.00004.

Submissions (2):

Labcorp Genetics (formerly Invitae), Labcorp
Classification: Uncertain significance. Last evaluated: 2024-09-27. Review status: criteria provided, single submitter. Criteria: Invitae Variant Classification Sherloc (09022015). Collection method: clinical testing. Allele origin: germline.
Comment: This sequence change replaces glycine, which is neutral and non-polar, with aspartic acid, which is acidic and polar, at codon 355 of the ARID1B protein (p.Gly355Asp). The frequency data for this variant in the population databases is considered unreliable, as metrics indicate insufficient coverage at this position in the gnomAD database. This variant has not been reported in the literature in individuals affected with ARID1B-related conditions. ClinVar contains an entry for this variant (Variation ID: 2337440). Experimental studies and prediction algorithms are not available or were not evaluated, and the functional significance of this variant is currently unknown. In summary, the available evidence is currently insufficient to determine the role of this variant in disease. Therefore, it has been classified as a Variant of Uncertain Significance.

Ambry Genetics
Classification: Uncertain significance for Inborn genetic diseases. Last evaluated: 2022-12-19. Review status: criteria provided, single submitter. Criteria: Ambry Variant Classification Scheme 2023. Collection method: clinical testing. Allele origin: germline.

NM_001374828.1(ARID1B):c.1313G>A (p.Gly438Asp)

Gene: ARID1B (AT-rich interaction domain 1B; plus strand). Cytogenetic location: 6q25.3.
Variant type: single nucleotide variant.
Coding change: c.1313G>A on transcript NM_001374828.1 (MANE Select); coding-DNA position 1313, G replaced by A.
Protein change: p.Gly438Asp; replaces glycine 438 with aspartic acid.
Molecular consequence: missense variant.
Genome position (GRCh38, 1-based): chr6:156,778,993, G>A. VCF-style: chr6-156778993-G-A. GRCh37 (hg19) VCF-style: chr6-157100127-G-A.
Other names: c.1064G>A, p.Gly355Asp (NM_001346813.1, NM_020732.3); c.1313G>A, p.Gly438Asp (NM_001371656.1, NM_001374820.1, NM_017519.3); c.890G>A, p.Gly297Asp (NM_175863.2); short protein forms G297D, G355D, G438D.
Identifiers: ClinVar variation 2337440 (VCV002337440.4), dbSNP rs1355368392, ClinGen allele CA366383952.
Genomic context (GRCh38, chr6:156,778,993, plus strand): 5'-GAGCGGGAGCTGTGGCGGCGGCGGCCGCGGCGGCGGCGGCAGCAGCAGGAGGCGGCGGCG[G>A]CGGCGGCTATGGGGGCTCGTCCGCGGGGTACGGGGTGCTGAGCTCCCCCCGGCAGCAGGG-3'
Protein context (NP_001361757.1, residues 428-448): AAAAAAGGGG[Gly438Asp]GGYGGSSAGY